The following is an entry in ClinVar:

NM_145728.3(SYNM):c.703dup (p.Glu235fs)

Gene: SYNM (synemin; plus strand). Cytogenetic location: 15q26.3.
Variant type: Duplication.
Coding change: c.703dup on transcript NM_145728.3 (MANE Select); coding-DNA position 703, one base duplicated (G; older notation c.703dupG).
Protein change: p.Glu235fs; shifts the reading frame from glutamic acid 235.
Molecular consequence: frameshift variant.
Genome position (GRCh38, 1-based): chr15:99,105,902, G duplicated. VCF-style (leftmost placement, unchanged base first): chr15-99105901-A-AG.
Other names: c.703dup, p.Glu235fs (NM_015286.6); c.702_703insG (NM_145728.2); short protein forms E235fs.
Identifiers: ClinVar variation 403504 (VCV000403504.6), dbSNP rs60530833, ClinGen allele CA16609768.

ClinVar aggregate classification (germline): Benign. Review status: criteria provided, multiple submitters, no conflicts (2 of 4 stars). 2 submissions from 2 submitters: Benign (2). Last evaluated 2019-03-01.

Conditions:
SYNM-related disorder. Also called: SYNM-related condition.

Allele frequency attached by ClinVar (database versions not stated): ESP Exome Variant Server 0.99486; gnomAD 0.99981; gnomAD exomes 0.99998; 1000 Genomes Project 1.00000; ExAC 1.00000.

Submissions (2):

PreventionGenetics, part of Exact Sciences
Classification: Benign for SYNM-related condition. Last evaluated: 2019-03-01. Review status: criteria provided, single submitter. Criteria: ACMG Guidelines, 2015. Collection method: clinical testing. Allele origin: germline.
Comment: This variant is classified as benign based on ACMG/AMP sequence variant interpretation guidelines (Richards et al. 2015 PMID: 25741868, with internal and published modifications).

Laboratory for Molecular Medicine, Mass General Brigham Personalized Medicine
Classification: Benign. Last evaluated: 2016-03-29. Review status: criteria provided, single submitter. Criteria: LMM Criteria. Collection method: clinical testing. Allele origin: germline.
Comment: Variant identified in a genome or exome case(s) and assessed due to predicted null impact of the variant or pathogenic assertions in the literature or databases. Disclaimer: This variant has not undergone full assessment. The following are preliminary notes: Frequency in ESP (all): 10066/10118=99.4%